The following is an entry in ClinVar:

ClinVar aggregate classification (germline): Conflicting classifications of pathogenicity. Review status: criteria provided, conflicting classifications (1 of 4 stars). 7 submissions from 7 submitters: Uncertain significance (6); Likely benign (1). Last evaluated 2025-03-31.

Conditions:
Aortic aneurysm, familial thoracic 4 (AAT4). Also called: AORTIC ANEURYSM/AORTIC DISSECTION AND PATENT DUCTUS ARTERIOSUS. Identifiers: MedGen C1851504, MONDO:0007568, OMIM 132900.
Familial thoracic aortic aneurysm and aortic dissection (TAAD). Also called: Thoracic aortic aneurysms and dissections. Identifiers: Orphanet 91387, MedGen C4707243, MONDO:0019625.

Allele frequency attached by ClinVar (database versions not stated): gnomAD 0.00001; gnomAD exomes 0.00001 and 0.00005; TOPMed 0.00002; ExAC 0.00003.
gnomAD v4.1: 24 of 1,614,052 alleles (0.0015%); highest among the groups gnomAD compares: Admixed American, 0.018%; no homozygotes.

Submissions (7):

Labcorp Genetics (formerly Invitae), Labcorp
Classification: Uncertain significance for Aortic aneurysm, familial thoracic 4. Last evaluated: 2025-03-31. Review status: criteria provided, single submitter. Criteria: Invitae Variant Classification Sherloc (09022015). Collection method: clinical testing. Allele origin: germline.
Comment: This sequence change replaces valine, which is neutral and non-polar, with isoleucine, which is neutral and non-polar, at codon 1815 of the MYH11 protein (p.Val1815Ile). This variant is present in population databases (rs780870767, gnomAD 0.02%). This variant has not been reported in the literature in individuals affected with MYH11-related conditions. ClinVar contains an entry for this variant (Variation ID: 201117). Invitae Evidence Modeling of protein sequence and biophysical properties (such as structural, functional, and spatial information, amino acid conservation, physicochemical variation, residue mobility, and thermodynamic stability) indicates that this missense variant is not expected to disrupt MYH11 protein function with a negative predictive value of 95%. In summary, the available evidence is currently insufficient to determine the role of this variant in disease. Therefore, it has been classified as a Variant of Uncertain Significance.

Color Diagnostics, LLC DBA Color Health
Classification: Uncertain significance for Familial thoracic aortic aneurysm and aortic dissection. Last evaluated: 2024-03-06. Review status: criteria provided, single submitter. Criteria: ACMG Guidelines, 2015. Collection method: clinical testing. Allele origin: germline.
Comment: This missense variant replaces valine with isoleucine at codon 1815 of the MYH11 protein. Computational prediction suggests that this variant may not impact protein structure and function (internally defined REVEL score threshold <= 0.5, PMID: 27666373). To our knowledge, functional studies have not been reported for this variant. This variant has not been reported in individuals affected with MYH11-related disorders in the literature. This variant has been identified in 13/251296 chromosomes in the general population by the Genome Aggregation Database (gnomAD). The available evidence is insufficient to determine the role of this variant in disease conclusively. Therefore, this variant is classified as a Variant of Uncertain Significance.

All of Us Research Program, National Institutes of Health
Classification: Uncertain significance for Familial thoracic aortic aneurysm and aortic dissection. Last evaluated: 2023-10-23. Review status: criteria provided, single submitter. Criteria: ACMG Guidelines, 2015. Collection method: clinical testing. Allele origin: germline. Inheritance: Autosomal dominant inheritance. Observed: 4 variant alleles, 4 heterozygotes.
Comment: This missense variant replaces valine with isoleucine at codon 1815 of the MYH11 protein. Computational prediction suggests that this variant may not impact protein structure and function (internally defined REVEL score threshold <= 0.5, PMID: 27666373). To our knowledge, functional studies have not been reported for this variant. This variant has not been reported in individuals affected with cardiovascular disorders in the literature. This variant has been identified in 13/251296 chromosomes in the general population by the Genome Aggregation Database (gnomAD). The available evidence is insufficient to determine the role of this variant in disease conclusively. Therefore, this variant is classified as a Variant of Uncertain Significance.

This study involves interpretation of variants in research participants for the purpose of population health screening. Participant phenotype was not available at the time of variant classification. Additional details can be found in publication PMID: 35346344, PMCID: PMC8962531

Women's Health and Genetics/Laboratory Corporation of America, LabCorp
Classification: Likely benign. Last evaluated: 2023-08-24. Review status: criteria provided, single submitter. Criteria: LabCorp Variant Classification Summary - May 2015. Collection method: clinical testing. Allele origin: germline.

Ambry Genetics
Classification: Uncertain significance for Familial thoracic aortic aneurysm and aortic dissection. Last evaluated: 2021-03-30. Review status: criteria provided, single submitter. Criteria: Ambry Variant Classification Scheme 2023. Collection method: clinical testing. Allele origin: germline.
Comment: The p.V1808I variant (also known as c.5422G>A), located in coding exon 37 of the MYH11 gene, results from a G to A substitution at nucleotide position 5422. The valine at codon 1808 is replaced by isoleucine, an amino acid with highly similar properties. This amino acid position is highly conserved in available vertebrate species; however, isoleucine is the reference amino acid in other vertebrate species. In addition, this alteration is predicted to be tolerated by in silico analysis. Since supporting evidence is limited at this time, the clinical significance of this alteration remains unclear.

Fulgent Genetics
Classification: Uncertain significance for Aortic aneurysm, familial thoracic 4. Last evaluated: 2018-10-31. Review status: criteria provided, single submitter. Criteria: ACMG Guidelines, 2015. Collection method: clinical testing. Allele origin: unknown.

GeneDx
Classification: Uncertain significance. Last evaluated: 2015-05-21. Review status: criteria provided, single submitter. Criteria: GeneDx Variant Classification (06012015). Collection method: clinical testing. Allele origin: germline. Affected: yes.
Comment: p.Val1808Ile (GTC>ATC): c.5422 G>A in exon 38 of the MYH11 gene (NM_002474.2). A variant of unknown significance has been identified in the MYH11 gene. The V1808I variant has not been published as a mutation, nor has it been reported as a benign polymorphism to our knowledge. The V1808I variant was not observed in approximately 6,500 individuals of European and African American ancestry in the NHLBI Exome Sequencing Project, indicating it is not a common benign variant in these populations. This substitution occurs at a position that is conserved within mammals. In silico analysis is inconsistent in its predictions as to whether or not the variant is damaging to the protein structure/function. However, the V1808I variant is a conservative amino acid substitution, which is not likely to impact secondary protein structure as these residues share similar properties. Missense mutations in nearby residues have not been reported, indicating this region of the protein may tolerate change. Therefore, based on the currently available information, it is unclear whether this variant is a pathogenic mutation or a rare benign variant. The variant is found in TAAD panel(s).

NM_002474.3(MYH11):c.5422G>A (p.Val1808Ile)

Genes: NDE1 (nudE neurodevelopment protein 1; plus strand), MYH11 (myosin heavy chain 11; minus strand). Cytogenetic location: 16p13.11.
Variant type: single nucleotide variant.
Coding change: c.5422G>A on transcript NM_002474.3 (MANE Select); coding-DNA position 5422, G replaced by A.
Protein change: p.Val1808Ile; replaces valine 1808 with isoleucine.
Molecular consequence: missense variant. On other transcripts: intron variant (2).
Genome position (GRCh38, 1-based): chr16:15,717,222, C>T on the plus strand (G>A on the coding strand, the complement: MYH11 is on the minus strand). VCF-style: chr16-15717222-C-T. GRCh37 (hg19) VCF-style: chr16-15811079-C-T.
Other names: p.V1808I:GTC>ATC; c.5443G>A, p.Val1815Ile (NM_001040113.2, NM_001040114.2); c.5422G>A, p.Val1808Ile (NM_022844.3); c.948-6969C>T (NM_001143979.2, NM_017668.3); short protein forms V1808I, V1815I.
Identifiers: ClinVar variation 201117 (VCV000201117.20), dbSNP rs780870767, ClinGen allele CA306688.
Genomic context (GRCh38, chr16:15,717,222, plus strand): 5'-CCTCCAGCTGTGCAATCTTGGCCTCCAGCGCCGCGATGGTGGACTTGAACTTGGACTTGA[C>T]GGCCCCCTCCATCTCGTGGAGCTTGCTCCGGAGCTCCTTGTTCTGCCGCTCGAGCTGCTG-3'
Protein context (NP_002465.1, residues 1798-1818): RSKLHEMEGA[Val1808Ile]KSKFKSTIAA